The following is an entry in ClinVar:

ClinVar aggregate classification (germline): Uncertain significance (1 of 4 stars; one submission).

Allele frequency attached by ClinVar (database versions not stated): gnomAD 0.00001.
gnomAD v4.1: 11 of 1,613,296 alleles (0.00068%); highest among the groups gnomAD compares: Admixed American, 0.0033%; no homozygotes.

Submission:

GeneDx
Classification: Uncertain significance. Last evaluated: 2022-12-29. Review status: criteria provided, single submitter. Criteria: GeneDx Variant Classification Process June 2021. Collection method: clinical testing. Allele origin: germline. Affected: yes.
Comment: Not observed at significant frequency in large population cohorts (gnomAD); In silico analysis supports that this missense variant does not alter protein structure/function; Has not been previously published as pathogenic or benign to our knowledge

NM_181507.2(HPS5):c.1549A>G (p.Lys517Glu)

Gene: HPS5 (HPS5 biogenesis of lysosomal organelles complex 2 subunit 2; minus strand). Cytogenetic location: 11p15.1.
Variant type: single nucleotide variant.
Coding change: c.1549A>G on transcript NM_181507.2 (MANE Select); coding-DNA position 1549, A replaced by G.
Protein change: p.Lys517Glu; replaces lysine 517 with glutamic acid.
Molecular consequence: missense variant.
Genome position (GRCh38, 1-based): chr11:18,296,084, T>C on the plus strand (A>G on the coding strand, the complement: HPS5 is on the minus strand). VCF-style: chr11-18296084-T-C. GRCh37 (hg19) VCF-style: chr11-18317631-T-C.
Other names: c.1207A>G, p.Lys403Glu (NM_007216.4, NM_181508.2); short protein forms K403E, K517E.
Identifiers: ClinVar variation 2507065 (VCV002507065.1), dbSNP rs770838422, ClinGen allele CA379494034.